The following is an entry in ClinVar:

ClinVar aggregate classification (germline): Likely benign. Review status: criteria provided, single submitter (1 of 4 stars). 2 submissions from 2 submitters: Likely benign (1). 1 of the submissions does not count toward it. Last evaluated 2024-02-17.

Conditions:
CYP11A1-related disorder. Also called: CYP11A1-related condition.

Allele frequency attached by ClinVar (database versions not stated): gnomAD exomes 0.00002; ExAC 0.00004; gnomAD 0.00004; TOPMed 0.00006; 1000 Genomes Project 30x 0.00016; 1000 Genomes Project 0.00020.
gnomAD v4.1: 18 of 1,614,190 alleles (0.0011%); highest among the groups gnomAD compares: Admixed American, 0.03%; no homozygotes.

Submissions (2):

Labcorp Genetics (formerly Invitae), Labcorp
Classification: Likely benign. Last evaluated: 2024-02-17. Review status: criteria provided, single submitter. Criteria: Invitae Variant Classification Sherloc (09022015). Collection method: clinical testing. Allele origin: germline.

PreventionGenetics, part of Exact Sciences
Classification: Likely benign for CYP11A1-related condition. Last evaluated: 2019-05-07. Review status: no assertion criteria provided. Collection method: clinical testing. Allele origin: germline. Not counted in ClinVar's aggregate classification.
Comment: This variant is classified as likely benign based on ACMG/AMP sequence variant interpretation guidelines (Richards et al. 2015 PMID: 25741868, with internal and published modifications).

NM_000781.3(CYP11A1):c.1335G>A (p.Lys445=)

Gene: CYP11A1 (cytochrome P450 family 11 subfamily A member 1; minus strand). Cytogenetic location: 15q24.1.
Variant type: single nucleotide variant.
Coding change: c.1335G>A on transcript NM_000781.3 (MANE Select); coding-DNA position 1335, G replaced by A.
Protein change: p.Lys445=; no amino-acid change (lysine 445 retained).
Molecular consequence: synonymous variant.
Genome position (GRCh38, 1-based): chr15:74,338,670, C>T on the plus strand (G>A on the coding strand, the complement: CYP11A1 is on the minus strand). VCF-style: chr15-74338670-C-T. GRCh37 (hg19) VCF-style: chr15-74631011-C-T.
Other names: c.1335G>A (NM_000781.2); c.861G>A, p.Lys287= (NM_001099773.2).
Identifiers: ClinVar variation 2177126 (VCV002177126.6), dbSNP rs146830942, ClinGen allele CA7656289.